The following is an entry in ClinVar:

NM_201384.3(PLEC):c.7191C>T (p.Ala2397=)

Gene: PLEC (plectin; minus strand). Cytogenetic location: 8q24.3.
Variant type: single nucleotide variant.
Coding change: c.7191C>T on transcript NM_201384.3 (MANE Select); coding-DNA position 7191, C replaced by T.
Protein change: p.Ala2397=; no amino-acid change (alanine 2397 retained).
Molecular consequence: synonymous variant. On other transcripts: intron variant (1).
Genome position (GRCh38, 1-based): chr8:143,922,738, G>A on the plus strand (C>T on the coding strand, the complement: PLEC is on the minus strand). VCF-style: chr8-143922738-G-A. GRCh37 (hg19) VCF-style: chr8-144996906-G-A.
Other names: c.7272C>T, p.Ala2424= (NM_000445.5); c.7149C>T, p.Ala2383= (NM_201378.4); c.7125C>T, p.Ala2375= (NM_201379.3); c.7602C>T, p.Ala2534= (NM_201380.4); c.7095C>T, p.Ala2365= (NM_201381.3); c.7191C>T, p.Ala2397= (NM_201382.4); c.7203C>T, p.Ala2401= (NM_201383.3); c.4126-343C>T (NM_001410941.1).
Identifiers: ClinVar variation 3353314 (VCV003353314.1).

ClinVar aggregate classification (germline): Likely benign (0 of 4 stars; one submission).

Conditions:
PLEC-related disorder. Also called: PLEC-related condition; PLEC-related disorders.

gnomAD v4.1: 3 of 1,610,872 alleles (0.00019%); highest among the groups gnomAD compares: Non-Finnish European, 0.00025%; no homozygotes.

Submission:

PreventionGenetics, part of Exact Sciences
Classification: Likely benign for PLEC-related condition. Last evaluated: 2024-05-27. Review status: no assertion criteria provided. Collection method: clinical testing. Allele origin: germline.
Comment: This variant is classified as likely benign based on ACMG/AMP sequence variant interpretation guidelines (Richards et al. 2015 PMID: 25741868, with internal and published modifications).